The following is an entry in ClinVar:

NM_001458.5(FLNC):c.568G>A (p.Ala190Thr)

Gene: FLNC (filamin C; plus strand). Cytogenetic location: 7q32.1.
Variant type: single nucleotide variant.
Coding change: c.568G>A on transcript NM_001458.5 (MANE Select); coding-DNA position 568, G replaced by A.
Protein change: p.Ala190Thr; replaces alanine 190 with threonine.
Molecular consequence: missense variant.
Genome position (GRCh38, 1-based): chr7:128,835,541, G>A. VCF-style: chr7-128835541-G-A. GRCh37 (hg19) VCF-style: chr7-128475595-G-A.
Other names: c.568G>A, p.Ala190Thr (NM_001127487.2); short protein forms A190T.
Identifiers: ClinVar variation 4025637 (VCV004025637.1).

ClinVar aggregate classification (germline): Uncertain significance (1 of 4 stars; one submission).

Conditions:
Cardiovascular phenotype. Identifiers: MedGen CN230736.

Submission:

Ambry Genetics
Classification: Uncertain significance for Cardiovascular phenotype. Last evaluated: 2025-05-26. Review status: criteria provided, single submitter. Criteria: Ambry Variant Classification Scheme 2023. Collection method: clinical testing. Allele origin: germline.
Comment: The p.A190T variant (also known as c.568G>A), located in coding exon 2 of the FLNC gene, results from a G to A substitution at nucleotide position 568. The alanine at codon 190 is replaced by threonine, an amino acid with similar properties. This amino acid position is conserved. In addition, this alteration is predicted to be deleterious by in silico analysis. Based on the available evidence, the clinical significance of this variant remains unclear.